The following is an entry in ClinVar:

ClinVar aggregate classification (germline): Uncertain significance (1 of 4 stars; one submission).

Submission:

Labcorp Genetics (formerly Invitae), Labcorp
Classification: Uncertain significance. Last evaluated: 2024-08-31. Review status: criteria provided, single submitter. Criteria: Invitae Variant Classification Sherloc (09022015). Collection method: clinical testing. Allele origin: germline.
Comment: This sequence change replaces proline, which is neutral and non-polar, with alanine, which is neutral and non-polar, at codon 522 of the SYNPO protein (p.Pro522Ala). This variant is not present in population databases (gnomAD no frequency). This variant has not been reported in the literature in individuals affected with SYNPO-related conditions. An algorithm developed to predict the effect of missense changes on protein structure and function (PolyPhen-2) suggests that this variant is likely to be tolerated. In summary, the available evidence is currently insufficient to determine the role of this variant in disease. Therefore, it has been classified as a Variant of Uncertain Significance.

NM_007286.6(SYNPO):c.1564C>G (p.Pro522Ala)

Gene: SYNPO (synaptopodin; plus strand). Cytogenetic location: 5q33.1.
Variant type: single nucleotide variant.
Coding change: c.1564C>G on transcript NM_007286.6 (MANE Select); coding-DNA position 1564, C replaced by G.
Protein change: p.Pro522Ala; replaces proline 522 with alanine.
Molecular consequence: missense variant.
Genome position (GRCh38, 1-based): chr5:150,649,839, C>G. VCF-style: chr5-150649839-C-G. GRCh37 (hg19) VCF-style: chr5-150029401-C-G.
Other names: c.1564C>G, p.Pro522Ala (NM_001109974.3); c.2296C>G, p.Pro766Ala (NM_001166208.2, NM_001166209.2); short protein forms P522A, P766A.
Identifiers: ClinVar variation 3674882 (VCV003674882.2).
Genomic context (GRCh38, chr5:150,649,839, plus strand): 5'-ACGCCAGAGCTGGCCCGCTGCCCATCACCTACCATGTCCCTGCCTTCCTCCTGGAAATAC[C>G]CCACTAACGCCCCCGGGGCCTTCCGAGTGGCATCCCGAAGCCCAGCCCGGACCCCGCCTG-3'
Protein context (NP_009217.3, residues 512-532): TMSLPSSWKY[Pro522Ala]TNAPGAFRVA